The following is an entry in ClinVar:

ClinVar aggregate classification (germline): Conflicting classifications of pathogenicity. Review status: criteria provided, conflicting classifications (1 of 4 stars). 3 submissions from 3 submitters: Uncertain significance (1); Likely benign (1). 1 of the submissions does not count toward it. Last evaluated 2024-09-09.

Conditions:
Hereditary breast ovarian cancer syndrome. Also called: Hereditary breast and ovarian cancer; Hereditary breast and ovarian cancer syndrome (HBOC); Breast and ovarian cancer; Hereditary breast and/or ovarian cancer syndrome; BRCA1- and BRCA2-Associated Hereditary Breast and Ovarian Cancer; Hereditary breast and ovarian cancer syndrome. Identifiers: Orphanet 145, MedGen C0677776, MeSH D061325, MONDO:0003582. Disease mechanism: loss of function.
Hereditary cancer-predisposing syndrome. Also called: Neoplastic Syndromes, Hereditary; Tumor predisposition; Hereditary Cancer Syndrome; Hereditary neoplastic syndrome. Identifiers: Orphanet 140162, MedGen C0027672, MeSH D009386, MONDO:0015356.
Malignant tumor of breast. Also called: Malignant breast neoplasm; Cancer breast. Identifiers: MedGen C0006142, MONDO:0007254. Disease mechanism: loss of function.

Allele frequency attached by ClinVar (database versions not stated): gnomAD exomes below 0.00001.

Submissions (4):

Ambry Genetics
Classification: Likely benign for Hereditary cancer-predisposing syndrome. Last evaluated: 2024-09-09. Review status: criteria provided, single submitter. Criteria: Ambry Variant Classification Scheme 2023. Collection method: clinical testing. Allele origin: germline.

Labcorp Genetics (formerly Invitae), Labcorp
Classification: Uncertain significance for Hereditary breast ovarian cancer syndrome. Last evaluated: 2023-04-13. Review status: criteria provided, single submitter. Criteria: Invitae Variant Classification Sherloc (09022015). Collection method: clinical testing. Allele origin: germline.
Comment: This variant is not present in population databases (gnomAD no frequency). This sequence change replaces isoleucine, which is neutral and non-polar, with threonine, which is neutral and polar, at codon 68 of the BRCA1 protein (p.Ile68Thr). This variant has not been reported in the literature in individuals affected with BRCA1-related conditions. ClinVar contains an entry for this variant (Variation ID: 867942). Advanced modeling performed at Invitae incorporating data from internal and/or published experimental studies (PMID: 30209399) indicates that this missense variant is not expected to disrupt BRCA1 function. Experimental studies have shown that this missense change does not substantially affect BRCA1 function (PMID: 30209399). Algorithms developed to predict the effect of sequence changes on RNA splicing suggest that this variant may create or strengthen a splice site. In summary, the available evidence is currently insufficient to determine the role of this variant in disease. Therefore, it has been classified as a Variant of Uncertain Significance.

Brotman Baty Institute, University of Washington
No classification provided (evidence only). Condition: Breast-ovarian cancer, familial 1. Review status: no classification provided. Collection method: in vitro. Allele origin: not applicable. Functional consequence: functionally_normal. Not counted in ClinVar's aggregate classification.
ClinVar note: "not provided" was previously submitted as the classification for the variant. However, the classification appeared to be based only on an observation of functional data so it was converted to no classification on 2025-07-30.

Department of Pathology and Laboratory Medicine, Sinai Health System
Classification: Uncertain significance for Malignant tumor of breast. Review status: no assertion criteria provided. Collection method: clinical testing. Allele origin: unknown. Affected: yes. Study: The Canadian Open Genetics Repository (COGR). Not counted in ClinVar's aggregate classification.
Comment: The BRCA1 p.Ile68Thr variant was not identified in the literature nor was it identified in the dbSNP, ClinVar, GeneInsight-COGR, Cosmic, MutDB, LOVD 3.0, UMD-LSDB, BIC Database, ARUP Laboratories, or Zhejiang Colon Cancer Database. The variant was not identified in the following control databases: the 1000 Genomes Project, the NHLBI GO Exome Sequencing Project, the Exome Aggregation Consortium (August 8th 2016), or the Genome Aggregation Database (Feb 27, 2017). The p.Ile68Thr residue is conserved in mammals but not in more distantly related organisms, and computational analyses (PolyPhen-2, SIFT, AlignGVGD, BLOSUM, MutationTaster) suggest that the variant may impact the protein; however, this information is not predictive enough to assume pathogenicity. The variant occurs outside of the splicing consensus sequence and in silico or computational prediction software programs (SpliceSiteFinder, MaxEntScan, NNSPLICE, GeneSplicer, HumanSpliceFinder) do not predict a difference in splicing. In summary, based on the above information the clinical significance of this variant cannot be determined with certainty at this time. This variant is classified as a variant of uncertain significance.

Literature cited by the submitters: PubMed 30209399 (cited by Ambry Genetics and Labcorp Genetics (formerly Invitae), Labcorp).

NM_007294.4(BRCA1):c.203T>C (p.Ile68Thr)

Gene: BRCA1 (BRCA1 DNA repair associated; minus strand). Cytogenetic location: 17q21.31.
Variant type: single nucleotide variant.
Coding change: c.203T>C on transcript NM_007294.4 (MANE Select); coding-DNA position 203, T replaced by C.
Protein change: p.Ile68Thr; replaces isoleucine 68 with threonine.
Molecular consequence: missense variant.
Genome position (GRCh38, 1-based): chr17:43,106,465, A>G on the plus strand (T>C on the coding strand, the complement: BRCA1 is on the minus strand). VCF-style: chr17-43106465-A-G. GRCh37 (hg19) VCF-style: chr17-41258482-A-G.
Other names: c.203T>C, p.Ile68Thr (NM_001407581.1, NM_001407582.1, NM_001407583.1 and 168 more transcripts); c.62T>C, p.Ile21Thr (NM_001407692.1, NM_001407694.1, NM_001407695.1 and 99 more transcripts); short protein forms I68T, I21T.
Identifiers: ClinVar variation 867942 (VCV000867942.21), dbSNP rs80357116, ClinGen allele CA10601761.